The following is an entry in ClinVar:

ClinVar aggregate classification (germline): Uncertain significance (1 of 4 stars; one submission).

Submission:

GeneDx
Classification: Uncertain significance. Last evaluated: 2025-10-01. Review status: criteria provided, single submitter. Criteria: GeneDx Variant Classification Process June 2021. Collection method: clinical testing. Allele origin: germline.
Comment: Not observed at significant frequency in large population cohorts (gnomAD); In silico analysis supports that this missense variant has a deleterious effect on protein structure/function; Has not been previously published as pathogenic or benign to our knowledge

NM_001046.3(SLC12A2):c.1537G>A (p.Asp513Asn)

Gene: SLC12A2 (solute carrier family 12 member 2; plus strand). Cytogenetic location: 5q23.3.
Variant type: single nucleotide variant.
Coding change: c.1537G>A on transcript NM_001046.3 (MANE Select); coding-DNA position 1537, G replaced by A.
Protein change: p.Asp513Asn; replaces aspartic acid 513 with asparagine.
Molecular consequence: missense variant. On other transcripts: non-coding transcript variant (1).
Genome position (GRCh38, 1-based): chr5:128,138,824, G>A. VCF-style: chr5-128138824-G-A. GRCh37 (hg19) VCF-style: chr5-127474516-G-A.
Other names: c.1537G>A, p.Asp513Asn (NM_001256461.2); short protein forms D513N.
Identifiers: ClinVar variation 3367777 (VCV003367777.2).